The following is an entry in ClinVar:

NM_001123385.2(BCOR):c.1571G>A (p.Ser524Asn)

Genes: BCOR (BCL6 corepressor; minus strand), LOC126863239 (MED14-independent group 3 enhancer GRCh37_chrX:39932994-39934193; plus strand). Cytogenetic location: Xp11.4.
Variant type: single nucleotide variant.
Coding change: c.1571G>A on transcript NM_001123385.2 (MANE Select); coding-DNA position 1571, G replaced by A.
Protein change: p.Ser524Asn; replaces serine 524 with asparagine.
Molecular consequence: missense variant.
Genome position (GRCh38, 1-based): chrX:40,073,775, C>T on the plus strand (G>A on the coding strand, the complement: BCOR is on the minus strand). VCF-style: chrX-40073775-C-T. GRCh37 (hg19) VCF-style: chrX-39933028-C-T.
Other names: c.1571G>A, p.Ser524Asn (NM_001123383.2, NM_001123384.2, NM_017745.6); short protein forms S524N.
Identifiers: ClinVar variation 1698102 (VCV001698102.2), dbSNP rs2147240300, ClinGen allele CA412746221.

ClinVar aggregate classification (germline): Uncertain significance (1 of 4 stars; one submission).

gnomAD v4.1: 3 of 1,212,722 alleles (0.00025%); highest among the groups gnomAD compares: Non-Finnish European, 0.00033%; no homozygotes.

Submission:

GeneDx
Classification: Uncertain significance. Last evaluated: 2022-01-19. Review status: criteria provided, single submitter. Criteria: GeneDx Variant Classification Process June 2021. Collection method: clinical testing. Allele origin: germline. Affected: yes.
Comment: Not observed at significant frequency in large population cohorts (gnomAD); In silico analysis supports that this missense variant does not alter protein structure/function; Has not been previously published as pathogenic or benign to our knowledge